The following is an entry in ClinVar:

NM_000264.5(PTCH1):c.911G>A (p.Cys304Tyr)

Gene: PTCH1 (patched 1; minus strand). Cytogenetic location: 9q22.32.
Variant type: single nucleotide variant.
Coding change: c.911G>A on transcript NM_000264.5 (MANE Select); coding-DNA position 911, G replaced by A.
Protein change: p.Cys304Tyr; replaces cysteine 304 with tyrosine.
Molecular consequence: missense variant. On other transcripts: non-coding transcript variant (1).
Genome position (GRCh38, 1-based): chr9:95,480,424, C>T on the plus strand (G>A on the coding strand, the complement: PTCH1 is on the minus strand). VCF-style: chr9-95480424-C-T. GRCh37 (hg19) VCF-style: chr9-98242706-C-T.
Other names: c.713G>A, p.Cys238Tyr (NM_001083602.3); c.908G>A, p.Cys303Tyr (NM_001083603.3); c.458G>A, p.Cys153Tyr (NM_001083604.3, NM_001083605.3, NM_001083606.3 and 1 more transcripts); c.911G>A, p.Cys304Tyr (NM_001354918.2); short protein forms C238Y, C303Y, C153Y, C304Y.
Identifiers: ClinVar variation 3635862 (VCV003635862.2).

ClinVar aggregate classification (germline): Uncertain significance (1 of 4 stars; one submission).

Conditions:
Gorlin syndrome. Also called: Nevoid Basal Cell Carcinoma Syndrome; Basal cell nevus syndrome. Identifiers: Orphanet 377, MedGen C0004779, MONDO:0007187.

Submission:

Labcorp Genetics (formerly Invitae), Labcorp
Classification: Uncertain significance for Gorlin syndrome. Last evaluated: 2024-04-04. Review status: criteria provided, single submitter. Criteria: Invitae Variant Classification Sherloc (09022015). Collection method: clinical testing. Allele origin: germline.
Comment: This sequence change replaces cysteine, which is neutral and slightly polar, with tyrosine, which is neutral and polar, at codon 304 of the PTCH1 protein (p.Cys304Tyr). This variant is not present in population databases (gnomAD no frequency). This variant has not been reported in the literature in individuals affected with PTCH1-related conditions. Advanced modeling of protein sequence and biophysical properties (such as structural, functional, and spatial information, amino acid conservation, physicochemical variation, residue mobility, and thermodynamic stability) performed at Invitae indicates that this missense variant is expected to disrupt PTCH1 protein function with a positive predictive value of 95%. In summary, the available evidence is currently insufficient to determine the role of this variant in disease. Therefore, it has been classified as a Variant of Uncertain Significance.